The following is an entry in ClinVar:

NM_178828.5(SPATA31E1):c.2578G>A (p.Val860Ile)

Genes: SPATA31E1 (SPATA31 subfamily E member 1; plus strand), LOC497256 (uncharacterized LOC497256; minus strand). Cytogenetic location: 9q22.1.
Variant type: single nucleotide variant.
Coding change: c.2578G>A on transcript NM_178828.5 (MANE Select); coding-DNA position 2578, G replaced by A.
Protein change: p.Val860Ile; replaces valine 860 with isoleucine.
Molecular consequence: missense variant.
Genome position (GRCh38, 1-based): chr9:87,887,065, G>A. VCF-style: chr9-87887065-G-A. GRCh37 (hg19) VCF-style: chr9-90501980-G-A.
Other names: short protein forms V860I.
Identifiers: ClinVar variation 2659294 (VCV002659294.24), dbSNP rs145699645, ClinGen allele CA5112404.

ClinVar aggregate classification (germline): Likely benign (1 of 4 stars; one submission).

Allele frequency attached by ClinVar (database versions not stated): 1000 Genomes Project 30x 0.00109; 1000 Genomes Project 0.00140; ExAC 0.00235; ESP Exome Variant Server 0.00238; gnomAD 0.00284; gnomAD exomes 0.00291; TOPMed 0.00329.
gnomAD v4.1: 4,738 of 1,614,084 alleles (0.29%); highest among the groups gnomAD compares: Admixed American, 0.42%; 12 homozygotes.

Submission:

CeGaT Center for Human Genetics Tuebingen
Classification: Likely benign. Last evaluated: 2022-12-01. Review status: criteria provided, single submitter. Criteria: CeGaT Center For Human Genetics Tuebingen Variant Classification Criteria Version 2. Collection method: clinical testing. Allele origin: germline. Affected: yes. Observed: 1 variant allele.
Comment: SPATA31E1: BP4, BS2